The following is an entry in ClinVar:

NM_198525.3(KIF7):c.2284G>C (p.Gly762Arg)

Gene: KIF7 (kinesin family member 7; minus strand). Cytogenetic location: 15q26.1.
Variant type: single nucleotide variant.
Coding change: c.2284G>C on transcript NM_198525.3 (MANE Select); coding-DNA position 2284, G replaced by C.
Protein change: p.Gly762Arg; replaces glycine 762 with arginine.
Molecular consequence: missense variant.
Genome position (GRCh38, 1-based): chr15:89,642,313, C>G on the plus strand (G>C on the coding strand, the complement: KIF7 is on the minus strand). VCF-style: chr15-89642313-C-G. GRCh37 (hg19) VCF-style: chr15-90185544-C-G.
Other names: short protein forms G762R.
Identifiers: ClinVar variation 426846 (VCV000426846.2), dbSNP rs753052634, ClinGen allele CA7728248.

ClinVar aggregate classification (germline): Uncertain significance (1 of 4 stars; one submission).

Allele frequency attached by ClinVar (database versions not stated): ExAC 0.00002; gnomAD exomes 0.00001.
gnomAD v4.1: 5 of 1,611,068 alleles (0.00031%); highest among the groups gnomAD compares: South Asian, 0.0055%; no homozygotes.

Submission:

GeneDx
Classification: Uncertain significance. Last evaluated: 2017-03-30. Review status: criteria provided, single submitter. Criteria: GeneDx Variant Classification (06012015). Collection method: clinical testing. Allele origin: germline. Affected: yes.
Comment: A variant of uncertain significance has been identified in the KIF7 gene. The G762R variant has not been published as a pathogenic variant, nor has it been reported as a benign variant to our knowledge. The G762R variant is not observed at a significant frequency in large population cohorts (Lek et al., 2016; 1000 Genomes Consortium et al., 2015; Exome Variant Server). The G762R variant is a non-conservative amino acid substitution, which is likely to impact secondary protein structure as these residues differ in polarity, charge, size and/or other properties. This substitution occurs at a position that is conserved in mammals. However, in silico analysis is inconsistent in its predictions as to whether or not the variant is damaging to the protein structure/function. Therefore, based on the currently available information, it is unclear whether this variant is a pathogenic variant or a rare benign variant.